The following is an entry in ClinVar:

ClinVar aggregate classification (germline): Likely benign (1 of 4 stars; one submission).

gnomAD v4.1: 978 of 1,613,884 alleles (0.061%); highest among the groups gnomAD compares: Admixed American, 0.11%; 3 homozygotes.

Submission:

CeGaT Center for Human Genetics Tuebingen
Classification: Likely benign. Last evaluated: 2026-06-01. Review status: criteria provided, single submitter. Criteria: CeGaT Center For Human Genetics Tuebingen Variant Classification Criteria Version 2. Collection method: clinical testing. Allele origin: germline. Affected: yes. Observed: 3 variant alleles.
Comment: TBC1D2B: BP4, BP7

NM_144572.2(TBC1D2B):c.1008G>A (p.Pro336=)

Gene: TBC1D2B (TBC1 domain family member 2B; minus strand). Cytogenetic location: 15q25.1.
Variant type: single nucleotide variant.
Coding change: c.1008G>A on transcript NM_144572.2 (MANE Select); coding-DNA position 1008, G replaced by A.
Protein change: p.Pro336=; no amino-acid change (proline 336 retained).
Molecular consequence: synonymous variant.
Genome position (GRCh38, 1-based): chr15:78,025,337, C>T on the plus strand (G>A on the coding strand, the complement: TBC1D2B is on the minus strand). VCF-style: chr15-78025337-C-T. GRCh37 (hg19) VCF-style: chr15-78317679-C-T.
Other names: c.1008G>A, p.Pro336= (NM_001387142.1, NM_001387144.1, NM_015079.6); c.1005G>A, p.Pro335= (NM_001387143.1); c.672G>A, p.Pro224= (NM_001387145.1, NM_001387146.1, NM_001387147.1 and 2 more transcripts).
Identifiers: ClinVar variation 3770670 (VCV003770670.13).
Genomic context (GRCh38, chr15:78,025,337, plus strand): 5'-TTTCTTTAACTGTTCCAGCTCTTCCTGCTGGCTCTGGACCTGCAGTTGCATTTCGGAGGC[C>T]GGCTTCCTGATGCTGACGCTGCCACTGCCTGATGTGCCTTCACTTGAAGGGTCACCACTG-3'
Protein context (NP_653173.1, residues 326-346): SGSGSVSIRK[Pro336=]ASEMQLQVQS